The following is an entry in ClinVar:

ClinVar aggregate classification (germline): Pathogenic/Likely pathogenic. Review status: criteria provided, multiple submitters, no conflicts (2 of 4 stars). 2 submissions from 2 submitters: Pathogenic (1); Likely pathogenic (1). Last evaluated 2023-07-26.

Conditions:
Leprechaunism syndrome. Also called: LEPRECHAUNISM; Donohue syndrome. Identifiers: Orphanet 508, MedGen C0265344, MONDO:0009517, OMIM 246200.

gnomAD v4.1: 12 of 1,613,924 alleles (0.00074%); highest among the groups gnomAD compares: African/African-American, 0.0013%; no homozygotes.

Submissions (3):

Pediatrics, Sichuan Provincial Hospital For Women And Children
Classification: Likely pathogenic for Leprechaunism syndrome. Last evaluated: 2023-07-26. Review status: criteria provided, single submitter. Criteria: ACMG Guidelines, 2015. Collection method: provider interpretation. Allele origin: maternal. Inheritance: Autosomal recessive inheritance. Affected: yes. Observed: 1 compound heterozygote.

Juno Genomics, Hangzhou Juno Genomics, Inc
Classification: Pathogenic for Leprechaunism syndrome. Review status: criteria provided, single submitter. Criteria: ACMG Guidelines, 2015. Collection method: clinical testing. Allele origin: germline.
Comment: Absent from controls (or at extremely low frequency if recessive) in Genome Aggregation Database.;Null variant in a gene where loss of function (LOF) is a known mechanism of disease.;For recessive disorders, detected in trans with a pathogenic variant.

Dr. Peter K. Rogan Lab, Western University
No classification provided (evidence only). Condition: Gastric cancer. Review status: no classification provided. Collection method: in vitro. Allele origin: not applicable. Functional consequence: retained intron. Not counted in ClinVar's aggregate classification.

Literature cited by the submitters: PubMed 28765322 (cited by Pediatrics, Sichuan Provincial Hospital For Women And Children).

NM_000208.4(INSR):c.1610+1G>A

Gene: INSR (insulin receptor; minus strand). Cytogenetic location: 19p13.2.
Variant type: single nucleotide variant.
Coding change: c.1610+1G>A on transcript NM_000208.4 (MANE Select); the canonical splice donor site of the intron after coding-DNA position 1610, G replaced by A.
Molecular consequence: splice donor variant.
Genome position (GRCh38, 1-based): chr19:7,167,967, C>T on the plus strand (G>A on the coding strand, the complement: INSR is on the minus strand). VCF-style: chr19-7167967-C-T. GRCh37 (hg19) VCF-style: chr19-7167978-C-T.
Other names: NC_000019.9:g.7167978C>T; c.1610+1G>A (NM_001079817.3).
Identifiers: ClinVar variation 2627890 (VCV002627890.4), dbSNP rs2512363368, ClinGen allele CA403666740.